The following is an entry in ClinVar:

NM_015629.4(PRPF31):c.241A>G (p.Met81Val)

Genes: PRPF31 (pre-mRNA processing factor 31; plus strand), PRPF31-AS1 (PRPF31 antisense RNA 1; minus strand). Cytogenetic location: 19q13.42.
Variant type: single nucleotide variant.
Coding change: c.241A>G on transcript NM_015629.4 (MANE Select); coding-DNA position 241, A replaced by G.
Protein change: p.Met81Val; replaces methionine 81 with valine.
Molecular consequence: missense variant. On other transcripts: non-coding transcript variant (1).
Genome position (GRCh38, 1-based): chr19:54,121,862, A>G. VCF-style: chr19-54121862-A-G. GRCh37 (hg19) VCF-style: chr19-54625241-A-G.
Other names: short protein forms M81V.
Identifiers: ClinVar variation 3646524 (VCV003646524.2).

ClinVar aggregate classification (germline): Uncertain significance (1 of 4 stars; one submission).

Submission:

Labcorp Genetics (formerly Invitae), Labcorp
Classification: Uncertain significance. Last evaluated: 2024-03-17. Review status: criteria provided, single submitter. Criteria: Invitae Variant Classification Sherloc (09022015). Collection method: clinical testing. Allele origin: germline.
Comment: This sequence change replaces methionine, which is neutral and non-polar, with valine, which is neutral and non-polar, at codon 81 of the PRPF31 protein (p.Met81Val). This variant is not present in population databases (gnomAD no frequency). This variant has not been reported in the literature in individuals affected with PRPF31-related conditions. An algorithm developed to predict the effect of missense changes on protein structure and function (PolyPhen-2) suggests that this variant is likely to be tolerated. In summary, the available evidence is currently insufficient to determine the role of this variant in disease. Therefore, it has been classified as a Variant of Uncertain Significance.